The following is an entry in ClinVar:

NM_001004356.3(FGFRL1):c.1458_1459del (p.His489fs)

Gene: FGFRL1 (fibroblast growth factor receptor like 1; plus strand). Cytogenetic location: 4p16.3.
Variant type: Microsatellite.
Coding change: c.1458_1459del on transcript NM_001004356.3 (MANE Select); coding-DNA positions 1458 to 1459, 2 bases deleted (TC; older notation c.1458_1459delTC).
Protein change: p.His489fs; shifts the reading frame from histidine 489.
Molecular consequence: frameshift variant.
Genome position (GRCh38, 1-based): chr4:1,025,290-1,025,291, TC deleted; deleting any 2 consecutive bases within chr4:1,025,287-1,025,291 gives the same sequence; the c. name uses the placement nearest the transcript's 3' end. VCF-style (leftmost placement, unchanged base first): chr4-1025286-ACT-A. GRCh37 (hg19) VCF-style: chr4-1019074-ACT-A.
Other names: c.1458_1459del, p.His489fs (NM_001004358.1, NM_001370296.1, NM_021923.3); short protein forms H489fs.
Identifiers: ClinVar variation 4755152 (VCV004755152.1).

ClinVar aggregate classification (germline): Uncertain significance (1 of 4 stars; one submission).

Submission:

Labcorp Genetics (formerly Invitae), Labcorp
Classification: Uncertain significance. Last evaluated: 2025-03-07. Review status: criteria provided, single submitter. Criteria: Invitae Variant Classification Sherloc (09022015). Collection method: clinical testing. Allele origin: germline.
Comment: This sequence change results in a frameshift in the FGFRL1 gene (p.His489Leufs*62). While this is not anticipated to result in nonsense mediated decay, it is expected to disrupt the last 16 amino acid(s) of the FGFRL1 protein and extend the protein by 45 additional amino acid residues. The frequency data for this variant in the population databases is considered unreliable, as metrics indicate poor data quality at this position in the gnomAD database. This variant has not been reported in the literature in individuals affected with FGFRL1-related conditions. Experimental studies and prediction algorithms are not available or were not evaluated, and the functional significance of this variant is currently unknown. In summary, the available evidence is currently insufficient to determine the role of this variant in disease. Therefore, it has been classified as a Variant of Uncertain Significance.